The following is an entry in ClinVar:

NM_024417.5(FDXR):c.1156C>T (p.Arg386Trp)

Gene: FDXR (ferredoxin reductase; minus strand). Cytogenetic location: 17q25.1.
Variant type: single nucleotide variant.
Coding change: c.1156C>T on transcript NM_024417.5 (MANE Select); coding-DNA position 1156, C replaced by T.
Protein change: p.Arg386Trp; replaces arginine 386 with tryptophan.
Molecular consequence: missense variant. On other transcripts: non-coding transcript variant (1).
Genome position (GRCh38, 1-based): chr17:74,863,914, G>A on the plus strand (C>T on the coding strand, the complement: FDXR is on the minus strand). VCF-style: chr17-74863914-G-A. GRCh37 (hg19) VCF-style: chr17-72860036-G-A.
Other names: c.1285C>T (NM_001258012.3); c.1285C>T, p.Arg429Trp (NM_001258012.4); c.1249C>T, p.Arg417Trp (NM_001258013.4); c.1132C>T, p.Arg378Trp (NM_001258014.4); c.1036C>T, p.Arg346Trp (NM_001258015.3); c.1000C>T, p.Arg334Trp (NM_001258016.3); c.1174C>T, p.Arg392Trp (NM_004110.6); short protein forms R392W, R386W, R417W, R334W, R346W, R378W, R429W.
Identifiers: ClinVar variation 520994 (VCV000520994.17), dbSNP rs760345680, ClinGen allele CA8752905.

ClinVar aggregate classification (germline): Pathogenic/Likely pathogenic. Review status: criteria provided, multiple submitters, no conflicts (2 of 4 stars). 12 submissions from 11 submitters: Pathogenic (8); Likely pathogenic (3). 1 of the submissions does not count toward it. Last evaluated 2025-12-17.

Conditions:
Multiple mitochondrial dysfunctions syndrome 9b. Identifiers: MedGen C5935635, MONDO:0971174, OMIM 620887.
FDXR-related disorder. Also called: FDXR-related condition; FDXR-related disorders.
Auditory neuropathy-optic atrophy syndrome. Also called: AUDITORY NEUROPATHY AND OPTIC ATROPHY; MULTIPLE MITOCHONDRIAL DYSFUNCTIONS SYNDROME 9A. Identifiers: Orphanet 542585, MedGen C4521678, MONDO:0060582, OMIM 617717.
Inborn genetic diseases. Identifiers: MedGen C0950123, MeSH D030342.
FDXR-related mitochondrial disorder.

Allele frequency attached by ClinVar (database versions not stated): gnomAD 0.00002; TOPMed 0.00007.

Submissions (12):

3billion
Classification: Likely pathogenic for Multiple mitochondrial dysfunctions syndrome 9b. Last evaluated: 2025-12-17. Review status: criteria provided, single submitter. Criteria: ACMG Guidelines, 2015. Collection method: clinical testing. Allele origin: germline. Affected: yes.
Comment: The variant is observed at an extremely low frequency in the gnomAD v4.1.0 dataset (total allele frequency: 0.004%). Predicted Consequence/Location: Missense variant Damaging effect on gene or gene product predicted by in silico programs is uncertain [REVEL: 0.53 (damaging >=0.6, benign <0.4), 3Cnet: 0.71 (damaging >0.75, benign <0.1)]. The same nucleotide change resulting in the same amino acid change has been previously reported as pathogenic/likely pathogenic with strong evidence (ClinVar ID: VCV000520994 /PMID: 29040572 /3billion dataset). The variant has been reported to be in trans with a pathogenic variant as either compound heterozygous or homozygous in at least one similarly affected unrelated individual (PMID: 29040572). The variant has been reported to co-segregate with the disease in at least one similarly affected relative/individual in the same family or similarly affected unrelated families (PMID: 29040572). Therefore, this variant is classified as Likely pathogenic according to the recommendation of ACMG/AMP guideline.

Women's Health and Genetics/Laboratory Corporation of America, LabCorp
Classification: Pathogenic for FDXR-Related Disorders. Last evaluated: 2025-12-17. Review status: criteria provided, single submitter. Criteria: LabCorp Variant Classification Summary - May 2015. Collection method: clinical testing. Allele origin: germline.
Comment: Variant summary: FDXR c.1156C>T (p.Arg386Trp) results in a non-conservative amino acid change in the encoded protein sequence. Algorithms developed to predict the effect of missense changes on protein structure and function are either unavailable or do not agree on the potential impact of this missense change. The variant allele was found at a frequency of 0.00018 in 250556 control chromosomes (gnomAD). This frequency is not significantly higher than estimated for disease-causing variants in FDXR, allowing no conclusion about variant significance. c.1156C>T has been observed in multiple individuals affected with clinical features of FDXR-Related Disorders and this variant co-segregated with the disease (Peng_2017). These data indicate that the variant is very likely to be associated with disease. At least one publication reports experimental evidence evaluating an impact on protein function and this variant affects the FDXR protein function (Peng_2017, Pignatti_2024). The following publications have been ascertained in the context of this evaluation (PMID: 29040572, 38885337). ClinVar contains an entry for this variant (Variation ID: 520994). Based on the evidence outlined above, the variant was classified as pathogenic.

Ambry Genetics
Classification: Pathogenic for Inborn genetic diseases. Last evaluated: 2025-07-21. Review status: criteria provided, single submitter. Criteria: Ambry Variant Classification Scheme 2023. Collection method: clinical testing. Allele origin: germline.
Comment: The c.1174C>T (p.R392W) alteration is located in coding exon 10 of the FDXR gene. This alteration results from a C to T substitution at nucleotide position 1174, causing the arginine (R) at amino acid position 392 to be replaced by a tryptophan (W). Based on data from gnomAD, the T allele has an overall frequency of 0.018% (45/250556) total alleles studied. The highest observed frequency was 0.127% (44/34550) of Latino alleles. This variant has been identified in the homozygous state and/or in conjunction with other FDXR variant(s) in individual(s) with features consistent with FDXR-related mitochondrial encephalomyopathy; in at least one instance, the variants were identified in trans (Peng, 2017; Campbell, 2024; Ambry internal data). Note, this variant is also referred to as p.Arg386Trp in the literature. This amino acid position is highly conserved in available vertebrate species. This alteration is predicted to be deleterious by in silico analysis. Based on the available evidence, this alteration is classified as pathogenic.

PreventionGenetics, part of Exact Sciences
Classification: Likely pathogenic for FDXR-related condition. Last evaluated: 2025-05-12. Review status: criteria provided, single submitter. Criteria: ACMG Guidelines, 2015. Collection method: clinical testing. Allele origin: germline.
Comment: The FDXR c.1156C>T variant is predicted to result in the amino acid substitution p.Arg386Trp. This variant has been reported as pathogenic for autosomal recessive mitochondriopathy with optic atrophy in seven homozygotes and one compound heterozygote from six unrelated families (described as p.R392W, Peng et al. 2017. PubMed ID: 29040572). This variant was also reported in the homozygous state in two additional patients from unrelated families with features consistent with FDXR-related disease, and was reported to result in a moderately severe phenotype in comparison to other homozygous pathogenic variants (Stenton et al. 2021. PubMed ID: 33348459; described as p.Arg392Trp, O'Brien et al. 2021. PubMed ID: 34906498). Functional studies found this variant led to deficient ferredoxin NADP reductase activity and mitochondrial dysfunction in patient fibroblasts (Peng et al. 2017. PubMed ID: 29040572). This variant is reported in 0.13% of alleles in individuals of Latino descent in gnomAD. In ClinVar this variant is listed as pathogenic and likely pathogenic by other clinical laboratories. This variant is interpreted as likely pathogenic.

Rady Children's Institute for Genomic Medicine, Rady Children's Hospital San Diego
Classification: Pathogenic for FDXR-related mitochondrial disorder. Last evaluated: 2025-01-31. Review status: criteria provided, single submitter. Criteria: ACMG Guidelines, 2015. Collection method: clinical testing. Allele origin: germline. Affected: yes.
Comment: This variant is also referred to as p.Arg386Trp, p.Arg392Trp, or p.Arg378Trp in the literature. Missense variation is an established mechanism of disease for FDXR-related disorders (PMID: 29040572). The c.1285C>T (p.Arg429Trp) variant affects a highly conserved amino acid and is predicted by multiple in silico tools to have a deleterious effect on protein function. This variant has been previously reported as a compound heterozygous and homozygous change in multiple patients with FDXR-related mitochondrial disorder (PMID: 29040572, 33348459). Functional studies in patient fibroblasts indicate that the p.Arg429Trp variant decreases FDXR protein levels, and in vitro studies demonstrate that the variant leads to mitochondrial dysfunction (PMID: 29040572). The c.1285C>T (p.Arg429Trp) variant is present in the latest version of the gnomAD population database at an allele frequency of 0.004% (66/1613336), and is absent in the homozygous state, thus is presumed to be rare. Based on the available evidence, c.1285C>T (p.Arg429Trp) is classified as Pathogenic.

Baylor Genetics
Classification: Pathogenic for Auditory neuropathy-optic atrophy syndrome. Last evaluated: 2023-12-13. Review status: criteria provided, single submitter. Criteria: ACMG Guidelines, 2015. Collection method: clinical testing. Allele origin: unknown.

Department of Pathology and Laboratory Medicine, Sinai Health System
Classification: Pathogenic for Auditory neuropathy-optic atrophy syndrome. Last evaluated: 2023-10-16. Review status: criteria provided, single submitter. Criteria: ACMG Guidelines, 2015. Collection method: research. Allele origin: germline.

Blueprint Genetics
Classification: Pathogenic for FDXR-related disorders. Last evaluated: 2022-06-09. Review status: criteria provided, single submitter. Criteria: ACMG Guidelines, 2015. Collection method: clinical testing. Allele origin: germline. Affected: yes. Observed: 4 variant alleles.

Fulgent Genetics
Classification: Pathogenic for Auditory neuropathy-optic atrophy syndrome. Last evaluated: 2021-10-05. Review status: criteria provided, single submitter. Criteria: ACMG Guidelines, 2015. Collection method: clinical testing. Allele origin: unknown.

Victorian Clinical Genetics Services, Murdoch Childrens Research Institute
Classification: Likely pathogenic for Auditory neuropathy-optic atrophy syndrome. Last evaluated: 2020-10-19. Review status: criteria provided, single submitter. Criteria: ACMG Guidelines, 2015. Collection method: clinical testing. Allele origin: germline. Inheritance: Autosomal recessive inheritance. Affected: yes.
Comment: Based on the classification scheme VCGS_Germline_v1.3.3, this variant is classified as Likely pathogenic. Following criteria are met: 0102 - Loss of function is a known mechanism of disease in this gene and is associated with auditory neuropathy and optic atrophy (MIM#617717). (I) 0106 - This gene is associated with autosomal recessive disease. (I) 0200 - Variant is predicted to result in a missense amino acid change from arginine to tryptophan. (I) 0252 - This variant is homozygous. (I) 0304 - Variant is present in gnomAD <0.01 for a recessive condition (45 heterozygotes, 0 homozygotes). (SP) 0309 - An alternative amino acid change at the same position has been observed in gnomAD (v2) (6 heterozygotes, 0 homozygotes). (I) 0504 - Same amino acid change has been observed in placental mammals. (SB) 0600 - Variant is located in the annotated NAD(P) binding domain (PMID: 29040572). (I) 0705 - No comparable missense variants have previous evidence for pathogenicity. (I) 0801 - This variant has strong previous evidence of pathogenicity in unrelated individuals. The variant has been previously reported in multiple homozygous patients with mitochondriopathy with optic atrophy (ClinVar, PMID: 29040572). (SP) 1001 - This variant has strong functional evidence supporting abnormal protein function. This variant causes reduced enzyme activity and overall mitochondrial dysfunction. Defects were rescued by overexpression of WT FDXR (PMID: 29040572). (SP) 1208 - Inheritance information for this variant is not currently available in this individual. (I) Legend: (SP) - Supporting pathogenic, (I) - Information, (SB) - Supporting benign

Rady Children's Institute for Genomic Medicine, Rady Children's Hospital San Diego
Classification: Pathogenic for FDXR-related disorders. Review status: criteria provided, single submitter. Criteria: ACMG Guidelines, 2015. Collection method: clinical testing. Allele origin: germline. Affected: yes.
Comment: This variant is also known as p.Arg386Trp, p.Arg392Trp, or p.Arg378Trp in the literature. This variant has been previously reported as a homozygous and a compound heterozygous change in patients with Mitochondriopathy with optic atrophy (PMID: 29040572, 33348459). Functional studies in patient fibroblasts indicate that the p.Arg429Trp variant decreases FDXR protein levels, and in vitro studies demonstrate that the variant leads to mitochondrial dysfunction (PMID: 29040572). It is present in the heterozygous state in the gnomAD population database at a frequency of 0.02% (45/250556) and thus is presumed to be rare. The c.1285C>T (p.Arg429Trp) variant affects a highly conserved amino acid and is predicted by multiple in silico tools to have a deleterious effect on protein function. Based on the available evidence, the c.1285C>T (p.Arg429Trp) variant is classified as Pathogenic.

OMIM
Classification: Pathogenic for MULTIPLE MITOCHONDRIAL DYSFUNCTIONS SYNDROME 9B. Last evaluated: 2024-07-16. Review status: no assertion criteria provided. Collection method: literature only. Allele origin: germline. Not counted in ClinVar's aggregate classification.

Literature cited by the submitters: PubMed 29040572 (cited by 6 submitters); PubMed 38885337 (cited by Women's Health and Genetics/Laboratory Corporation of America, LabCorp); PubMed 32499495 (cited by Ambry Genetics); PubMed 39669623 (cited by Ambry Genetics); PubMed 33348459 (cited by Rady Children's Institute for Genomic Medicine, Rady Children's Hospital San Diego).